The following is an entry in ClinVar:

NM_001127208.3(TET2):c.713T>C (p.Val238Ala)

Genes: TET2 (tet methylcytosine dioxygenase 2; plus strand), TET2-AS1 (TET2 antisense RNA 1; minus strand). Cytogenetic location: 4q24.
Variant type: single nucleotide variant.
Coding change: c.713T>C on transcript NM_001127208.3 (MANE Select); coding-DNA position 713, T replaced by C.
Protein change: p.Val238Ala; replaces valine 238 with alanine.
Molecular consequence: missense variant.
Genome position (GRCh38, 1-based): chr4:105,234,655, T>C. VCF-style: chr4-105234655-T-C. GRCh37 (hg19) VCF-style: chr4-106155812-T-C.
Other names: c.713T>C, p.Val238Ala (NM_017628.4); short protein forms V238A.
Identifiers: ClinVar variation 4594170 (VCV004594170.1).

ClinVar aggregate classification (germline): Uncertain significance (1 of 4 stars; one submission).

gnomAD v4.1: 5 of 1,613,988 alleles (0.00031%); highest among the groups gnomAD compares: South Asian, 0.0044%; no homozygotes.

Submission:

Ambry Genetics
Classification: Uncertain significance. Last evaluated: 2025-10-25. Review status: criteria provided, single submitter. Criteria: Ambry Variant Classification Scheme 2023. Collection method: clinical testing. Allele origin: germline.
Comment: The p.V238A variant (also known as c.713T>C), located in coding exon 1 of the TET2 gene, results from a T to C substitution at nucleotide position 713. The valine at codon 238 is replaced by alanine, an amino acid with similar properties. This amino acid position is conserved. In addition, this alteration is predicted to be tolerated by in silico analysis. Based on the available evidence, the clinical significance of this variant remains unclear.